The following is an entry in ClinVar:

NM_002497.4(NEK2):c.662del (p.Gln221fs)

Gene: NEK2 (NIMA related kinase 2; minus strand). Cytogenetic location: 1q32.3.
Variant type: Deletion.
Coding change: c.662del on transcript NM_002497.4 (MANE Select); coding-DNA position 662, one base deleted (A; older notation c.662delA).
Protein change: p.Gln221fs; shifts the reading frame from glutamine 221.
Molecular consequence: frameshift variant.
Genome position (GRCh38, 1-based): chr1:211,670,384, T deleted on the plus strand (A on the coding strand, the reverse complement: NEK2 is on the minus strand). VCF-style (leftmost placement, unchanged base first): chr1-211670383-CT-C. GRCh37 (hg19) VCF-style: chr1-211843725-CT-C.
Other names: c.662del, p.Gln221fs (NM_001204182.2, NM_001204183.2); short protein forms Q221fs.
Identifiers: ClinVar variation 2794239 (VCV002794239.3), dbSNP rs765342364, ClinGen allele CA1381619.

ClinVar aggregate classification (germline): Uncertain significance (1 of 4 stars; one submission).

Allele frequency attached by ClinVar (database versions not stated): ExAC 0.00001; gnomAD 0.00001; TOPMed 0.00001.

Submission:

Labcorp Genetics (formerly Invitae), Labcorp
Classification: Uncertain significance. Last evaluated: 2023-10-08. Review status: criteria provided, single submitter. Criteria: Invitae Variant Classification Sherloc (09022015). Collection method: clinical testing. Allele origin: germline.
Comment: This sequence change creates a premature translational stop signal (p.Gln221Argfs*24) in the NEK2 gene. It is expected to result in an absent or disrupted protein product. However, the current clinical and genetic evidence is not sufficient to establish whether loss-of-function variants in NEK2 cause disease. This variant is present in population databases (rs765342364, gnomAD 0.0009%). This variant has not been reported in the literature in individuals affected with NEK2-related conditions. In summary, the available evidence is currently insufficient to determine the role of this variant in disease. Therefore, it has been classified as a Variant of Uncertain Significance.